The following is an entry in ClinVar:

ClinVar aggregate classification (germline): Conflicting classifications of pathogenicity. Review status: criteria provided, conflicting classifications (1 of 4 stars). 10 submissions from 10 submitters: Uncertain significance (9); Likely benign (1). Last evaluated 2025-08-21.

Conditions:
KARS1-related disorder. Also called: KARS1-related disorders.
Hearing impairment. Also called: Impaired Hearing. Identifiers: MedGen C1384666, MONDO:0005365, HP:0000365.

Allele frequency attached by ClinVar (database versions not stated): gnomAD 0.00031 and 0.00033; TOPMed 0.00036; ESP Exome Variant Server 0.00038; ExAC 0.00069.
gnomAD v4.1: 1,017 of 1,614,200 alleles (0.063%); highest among the groups gnomAD compares: Non-Finnish European, 0.082%; 1 homozygote.

Submissions (10):

Mayo Clinic Laboratories, Mayo Clinic
Classification: Uncertain significance. Last evaluated: 2025-08-21. Review status: criteria provided, single submitter. Criteria: ACMG Guidelines, 2015. Collection method: clinical testing. Allele origin: germline. Observed: 3 variant alleles.
Comment: BS1_supporting

PreventionGenetics, part of Exact Sciences
Classification: Uncertain significance for KARS1-related condition. Last evaluated: 2025-08-20. Review status: criteria provided, single submitter. Criteria: ACMG Guidelines, 2015. Collection method: clinical testing. Allele origin: germline.
Comment: The KARS1 c.1569A>G variant is predicted to result in the amino acid substitution p.Ile523Met. To our knowledge, this variant has not been reported in the literature. This variant is reported in 0.10% of alleles in individuals of European (Non-Finnish) descent in gnomAD. Although we suspect that this variant may be benign, at this time, the clinical significance of this variant is uncertain due to the absence of conclusive functional and genetic evidence.

Ambry Genetics
Classification: Uncertain significance. Last evaluated: 2025-01-10. Review status: criteria provided, single submitter. Criteria: Ambry Variant Classification Scheme 2023. Collection method: clinical testing. Allele origin: germline.

CeGaT Center for Human Genetics Tuebingen
Classification: Uncertain significance. Last evaluated: 2024-12-01. Review status: criteria provided, single submitter. Criteria: CeGaT Center For Human Genetics Tuebingen Variant Classification Criteria Version 2. Collection method: clinical testing. Allele origin: germline. Affected: yes. Observed: 5 variant alleles.

Blueprint Genetics
Classification: Uncertain significance. Last evaluated: 2024-10-28. Review status: criteria provided, single submitter. Criteria: ACMG Guidelines, 2015. Collection method: clinical testing. Allele origin: germline.

Labcorp Genetics (formerly Invitae), Labcorp
Classification: Uncertain significance. Last evaluated: 2022-10-01. Review status: criteria provided, single submitter. Criteria: Invitae Variant Classification Sherloc (09022015). Collection method: clinical testing. Allele origin: germline.
Comment: This sequence change replaces isoleucine, which is neutral and non-polar, with methionine, which is neutral and non-polar, at codon 523 of the KARS protein (p.Ile523Met). This variant is present in population databases (rs144274136, gnomAD 0.1%), and has an allele count higher than expected for a pathogenic variant. This variant has not been reported in the literature in individuals affected with KARS-related conditions. ClinVar contains an entry for this variant (Variation ID: 228757). Advanced modeling of protein sequence and biophysical properties (such as structural, functional, and spatial information, amino acid conservation, physicochemical variation, residue mobility, and thermodynamic stability) performed at Invitae indicates that this missense variant is not expected to disrupt KARS protein function. In summary, the available evidence is currently insufficient to determine the role of this variant in disease. Therefore, it has been classified as a Variant of Uncertain Significance.

Department of Otolaryngology – Head & Neck Surgery, Cochlear Implant Center
Classification: Uncertain significance for Hearing impairment. Last evaluated: 2021-04-12. Review status: criteria provided, single submitter. Criteria: ClinGen HL ACMG Specifications v1. Collection method: clinical testing. Allele origin: germline. Affected: yes.
Comment: PP3_Supporting

GeneDx
Classification: Likely benign. Last evaluated: 2020-09-06. Review status: criteria provided, single submitter. Criteria: GeneDx Variant Classification Process June 2021. Collection method: clinical testing. Allele origin: germline. Affected: yes.

Athena Diagnostics
Classification: Uncertain significance. Last evaluated: 2019-05-06. Review status: criteria provided, single submitter. Criteria: Athena Diagnostics Criteria. Collection method: clinical testing. Allele origin: germline.

Laboratory for Molecular Medicine, Mass General Brigham Personalized Medicine
Classification: Uncertain significance. Last evaluated: 2015-07-17. Review status: criteria provided, single submitter. Criteria: LMM Criteria. Collection method: clinical testing. Allele origin: germline. Observed: 1 variant allele.
Comment: Variant classified as Uncertain Significance - Favor Benign. The p.Ile523Met var iant in KARS has not been previously reported in individuals with hearing loss, but has been identified in 0.12% (79/66738) of European chromosomes by the Exome Aggregation Consortium (ExAC; dbSNP rs144274136 ). Computational prediction tools and conservation analysis do not provide stro ng support for or against an impact to the protein. In summary, while the clinic al significance of the p.Ile523Met variant is uncertain, its frequency in the ge neral population suggests that it is more likely to be benign.

NM_005548.3(KARS1):c.1485A>G (p.Ile495Met)

Genes: KARS1 (lysyl-tRNA synthetase 1; minus strand), LOC126862402 (CDK7 strongly-dependent group 2 enhancer GRCh37_chr16:75663368-75664567; plus strand). Cytogenetic location: 16q23.1.
Variant type: single nucleotide variant.
Coding change: c.1485A>G on transcript NM_005548.3 (MANE Select); coding-DNA position 1485, A replaced by G.
Protein change: p.Ile495Met; replaces isoleucine 495 with methionine.
Molecular consequence: missense variant.
Genome position (GRCh38, 1-based): chr16:75,629,481, T>C on the plus strand (A>G on the coding strand, the complement: KARS1 is on the minus strand). VCF-style: chr16-75629481-T-C. GRCh37 (hg19) VCF-style: chr16-75663379-T-C.
Other names: c.1569A>G, p.Ile523Met (NM_001130089.2); c.1017A>G, p.Ile339Met (NM_001378148.1); short protein forms I523M, I495M, I339M.
Identifiers: ClinVar variation 228757 (VCV000228757.63), dbSNP rs144274136, ClinGen allele CA8177216.